The following is an entry in ClinVar:

ClinVar aggregate classification (germline): Benign/Likely benign. Review status: criteria provided, multiple submitters, no conflicts (2 of 4 stars). 4 submissions from 4 submitters: Benign (1); Likely benign (3). Last evaluated 2025-07-27.

Conditions:
Hereditary cancer-predisposing syndrome. Also called: Neoplastic Syndromes, Hereditary; Tumor predisposition; Hereditary Cancer Syndrome; Hereditary neoplastic syndrome. Identifiers: Orphanet 140162, MedGen C0027672, MeSH D009386, MONDO:0015356.
Familial cancer of breast. Also called: BREAST CANCER, FAMILIAL; Hereditary breast cancer; hereditary breast carcinoma. Identifiers: Orphanet 227535, MedGen C0346153, MONDO:0016419, OMIM 114480. Disease mechanism: loss of function.

Submissions (4):

Labcorp Genetics (formerly Invitae), Labcorp
Classification: Likely benign for Familial cancer of breast. Last evaluated: 2025-07-27. Review status: criteria provided, single submitter. Criteria: Invitae Variant Classification Sherloc (09022015). Collection method: clinical testing. Allele origin: germline.

Myriad Genetics, Inc.
Classification: Benign for Familial cancer of breast. Last evaluated: 2025-01-13. Review status: criteria provided, single submitter. Criteria: Myriad Autosomal Dominant, Autosomal Recessive and X-Linked Classification Criteria (2023). Collection method: clinical testing. Allele origin: unknown.
Comment: This variant is considered benign. This variant is a silent/synonymous amino acid change and it is not expected to impact splicing.

Ambry Genetics
Classification: Likely benign for Hereditary cancer-predisposing syndrome. Last evaluated: 2024-01-31. Review status: criteria provided, single submitter. Criteria: Ambry Variant Classification Scheme 2023. Collection method: clinical testing. Allele origin: germline.

Color Diagnostics, LLC DBA Color Health
Classification: Likely benign for Hereditary cancer-predisposing syndrome. Last evaluated: 2018-09-24. Review status: criteria provided, single submitter. Criteria: ACMG Guidelines, 2015. Collection method: clinical testing. Allele origin: germline.

NM_024675.4(PALB2):c.930T>C (p.Ser310=)

Gene: PALB2 (partner and localizer of BRCA2; minus strand). Cytogenetic location: 16p12.2.
Variant type: single nucleotide variant.
Coding change: c.930T>C on transcript NM_024675.4 (MANE Select); coding-DNA position 930, T replaced by C.
Protein change: p.Ser310=; no amino-acid change (serine 310 retained).
Molecular consequence: synonymous variant.
Genome position (GRCh38, 1-based): chr16:23,635,616, A>G on the plus strand (T>C on the coding strand, the complement: PALB2 is on the minus strand). VCF-style: chr16-23635616-A-G. GRCh37 (hg19) VCF-style: chr16-23646937-A-G.
Identifiers: ClinVar variation 924272 (VCV000924272.14), dbSNP rs1967008319, ClinGen allele CA494461921.